The following is an entry in ClinVar:

ClinVar aggregate classification (germline): Pathogenic (1 of 4 stars; one submission).

Conditions:
Deficiency of steroid 11-beta-monooxygenase (CYP11B1). Also called: ADRENAL HYPERPLASIA, CONGENITAL, DUE TO STEROID 11-BETA-HYDROXYLASE DEFICIENCY; P450C11B1 DEFICIENCY; STEROID 11-BETA-HYDROXYLASE DEFICIENCY; ADRENAL HYPERPLASIA IV; Congenital adrenal hyperplasia due to 11-beta-hydroxylase deficiency; 11-BETA-HYDROXYLASE DEFICIENCY. Identifiers: Orphanet 90795, MedGen C0268292, MONDO:0008729, OMIM 202010. Disease mechanism: loss of function.

Submission:

Clinical Biochemistry Laboratory, Health Services Laboratory
Classification: Pathogenic for Deficiency of steroid 11-beta-monooxygenase. Last evaluated: 2023-11-20. Review status: criteria provided, single submitter. Criteria: ACMG Guidelines, 2015. Collection method: clinical testing. Allele origin: germline. Affected: yes.
Comment: ACMG:PVS1 PM2 PM4 PP4

Literature cited by the submitters: PubMed 8004113.

NM_000497.4(CYP11B1):c.359_363dup (p.His122fs)

Gene: CYP11B1 (cytochrome P450 family 11 subfamily B member 1; minus strand). Cytogenetic location: 8q24.3.
Variant type: Duplication.
Coding change: c.359_363dup on transcript NM_000497.4 (MANE Select); coding-DNA positions 359 to 363, 5 bases duplicated (GACAA; older notation c.359_363dupGACAA).
Protein change: p.His122fs; shifts the reading frame from histidine 122.
Molecular consequence: frameshift variant.
Genome position (GRCh38, 1-based): chr8:142,879,064-142,879,068, TTGTC duplicated on the plus strand (GACAA on the coding strand, the reverse complement: CYP11B1 is on the minus strand); duplicating any 5 consecutive bases within chr8:142,879,064-142,879,069 gives the same sequence; the c. name uses the placement nearest the transcript's 3' end. VCF-style (leftmost placement, unchanged base first): chr8-142879063-G-GTTGTC. GRCh37 (hg19) VCF-style: chr8-143960479-G-GTTGTC.
Other names: c.358_362dup; c.359_363dup, p.His122fs (NM_001026213.1); short protein forms H122fs.
Identifiers: ClinVar variation 2674651 (VCV002674651.1), dbSNP rs2488681073, ClinGen allele CA2695203216.